The following is an entry in ClinVar:

ClinVar aggregate classification (germline): Pathogenic (1 of 4 stars; one submission).

gnomAD v4.1: 1 of 1,199,124 alleles (0.000083%); highest among the groups gnomAD compares: South Asian, 0.0018%; no homozygotes.

Submission:

Ambry Genetics
Classification: Pathogenic. Last evaluated: 2025-08-06. Review status: criteria provided, single submitter. Criteria: Ambry Variant Classification Scheme 2023. Collection method: clinical testing. Allele origin: germline.
Comment: The c.3005G>A (p.W1002*) alteration, located in coding exon 23 of the SMARCA1 gene, consists of a G to A substitution at nucleotide position 3005. This changes the amino acid from a tryptophan (W) to a stop codon at amino acid position 1002. This alteration is expected to result in loss of function by premature protein truncation or nonsense-mediated mRNA decay. This variant was not reported in population-based cohorts in the Genome Aggregation Database (gnomAD). Based on the available evidence, this alteration is classified as pathogenic.

NM_001282874.2(SMARCA1):c.3005G>A (p.Trp1002Ter)

Gene: SMARCA1 (SNF2 related chromatin remodeling ATPase 1; minus strand). Cytogenetic location: Xq25.
Variant type: single nucleotide variant.
Coding change: c.3005G>A on transcript NM_001282874.2 (MANE Select); coding-DNA position 3005, G replaced by A.
Protein change: p.Trp1002Ter; replaces tryptophan 1002 with a stop codon.
Molecular consequence: nonsense.
Genome position (GRCh38, 1-based): chrX:129,465,545, C>T on the plus strand (G>A on the coding strand, the complement: SMARCA1 is on the minus strand). VCF-style: chrX-129465545-C-T. GRCh37 (hg19) VCF-style: chrX-128599522-C-T.
Other names: c.2969G>A, p.Trp990Ter (NM_001282875.2, NM_001378262.1, NM_001378263.1 and 1 more transcripts); c.3005G>A, p.Trp1002Ter (NM_001378261.1, NM_003069.5); short protein forms W990*, W1002*.
Identifiers: ClinVar variation 4170111 (VCV004170111.1).